The following is an entry in ClinVar:

ClinVar aggregate classification (germline): Pathogenic/Likely pathogenic. Review status: criteria provided, multiple submitters, no conflicts (2 of 4 stars). 3 submissions from 3 submitters: Pathogenic (1); Likely pathogenic (2). Last evaluated 2026-09-08.

Conditions:
Fabry disease. Also called: Fabry's disease; Angiokeratoma corporis diffusum; Ceramide trihexosidosis; ALPHA-GALACTOSIDASE A DEFICIENCY; ANDERSON-FABRY DISEASE; CERAMIDE TRIHEXOSIDASE DEFICIENCY. Identifiers: Orphanet 324, MedGen C0002986, MONDO:0010526, OMIM 301500, HP:0001071. Disease mechanism: loss of function, Fabry disease is due to inactivating mutations in the X-linked GLA gene resulting in deficiency of the enzyme Alpha Galactosidase-A..

Allele frequency attached by ClinVar (database versions not stated): gnomAD exomes below 0.00001.

Submissions (3):

Genomenon, Inc
Classification: Likely pathogenic for Fabry disease. Last evaluated: 2026-09-08. Review status: criteria provided, single submitter. Criteria: Genomenon Sequence Variant Interpretation Standards - Updated. Collection method: curation. Allele origin: germline. Affected: yes.
Comment: GLA p.Met187Thr (c.560T>C) is a missense variant that changes the amino acid at codon 187 from Methionine to Threonine. This variant has been observed in at least one proband with clinical features consistent with Fabry disease (PMID:16595074;22551898;29305833). At least one functional study has demonstrated a substantial alteration in protein function relative to the wild-type (PMID:23935525). It is absent or not present at a significant frequency in gnomAD. In silico models predict that this variant is possibly or probably damaging. In conclusion, we classify GLA p.Met187Thr (c.560T>C) as a likely pathogenic variant.

All of Us Research Program, National Institutes of Health
Classification: Likely pathogenic for Fabry disease. Last evaluated: 2024-07-23. Review status: criteria provided, single submitter. Criteria: ACMG Guidelines, 2015. Collection method: clinical testing. Allele origin: germline. Inheritance: X-linked inheritance. Observed: 1 variant allele, 1 heterozygote.
Comment: Functional studies suggest that this variant results in a deleterious effect on the protein (PMID: 31036492). This variant has been reported in multiple individuals with Fabry disease (PMID: 16595074, 29649853, 22551898, 29305833, 31996269, 36624527). This variant is absent from or rare in large population databases, including the Genome Aggregation Database. Other missense substitutions at this amino acid residue have been previously reported in individuals with disease and classified as pathogenic, which supports the functional importance of this position. This variant is predicted to be deleterious by in silico analysis.

This study involves interpretation of variants in research participants for the purpose of population health screening. Participant phenotype was not available at the time of variant classification. Additional details can be found in publication PMID: 35346344, PMCID: PMC8962531

CeGaT Center for Human Genetics Tuebingen
Classification: Pathogenic. Last evaluated: 2019-04-01. Review status: criteria provided, single submitter. Criteria: CeGaT Center For Human Genetics Tuebingen Variant Classification Criteria Version 2. Collection method: clinical testing. Allele origin: germline. Affected: yes. Observed: 2 variant alleles.

Literature cited by the submitters: PubMed 16595074 (cited by Genomenon, Inc and All of Us Research Program, National Institutes of Health); PubMed 22551898 (cited by Genomenon, Inc and All of Us Research Program, National Institutes of Health); PubMed 29305833 (cited by Genomenon, Inc and All of Us Research Program, National Institutes of Health); PubMed 23935525 (cited by Genomenon, Inc); PubMed 29649853 (cited by All of Us Research Program, National Institutes of Health); PubMed 31036492 (cited by All of Us Research Program, National Institutes of Health); PubMed 31996269 (cited by All of Us Research Program, National Institutes of Health); PubMed 36624527 (cited by All of Us Research Program, National Institutes of Health).

NM_000169.3(GLA):c.560T>C (p.Met187Thr)

Genes: RPL36A-HNRNPH2 (RPL36A-HNRNPH2 readthrough; plus strand), GLA (galactosidase alpha; minus strand). Cytogenetic location: Xq22.1.
Variant type: single nucleotide variant.
Coding change: c.560T>C on transcript NM_000169.3 (MANE Select); coding-DNA position 560, T replaced by C.
Protein change: p.Met187Thr; replaces methionine 187 with threonine.
Molecular consequence: missense variant. On other transcripts: non-coding transcript variant (2), intron variant (2).
Genome position (GRCh38, 1-based): chrX:101,400,745, A>G on the plus strand (T>C on the coding strand, the complement: GLA is on the minus strand). VCF-style: chrX-101400745-A-G. GRCh37 (hg19) VCF-style: chrX-100655733-A-G.
Other names: c.683T>C, p.Met228Thr (NM_001406747.1); c.560T>C, p.Met187Thr (NM_001406748.1); c.300+5288A>G (NM_001199973.2); c.177+8923A>G (NM_001199974.2); short protein forms M187T, M228T.
Identifiers: ClinVar variation 222310 (VCV000222310.46), dbSNP rs869312342, ClinGen allele CA352650.